The following is an entry in ClinVar:

NM_001017995.3(SH3PXD2B):c.522C>T (p.Ser174=)

Gene: SH3PXD2B (SH3 and PX domains 2B; minus strand). Cytogenetic location: 5q35.1.
Variant type: single nucleotide variant.
Coding change: c.522C>T on transcript NM_001017995.3 (MANE Select); coding-DNA position 522, C replaced by T.
Protein change: p.Ser174=; no amino-acid change (serine 174 retained).
Molecular consequence: synonymous variant.
Genome position (GRCh38, 1-based): chr5:172,362,775, G>A on the plus strand (C>T on the coding strand, the complement: SH3PXD2B is on the minus strand). VCF-style: chr5-172362775-G-A. GRCh37 (hg19) VCF-style: chr5-171789779-G-A.
Other names: c.522C>T, p.Ser174= (NM_001308175.2).
Identifiers: ClinVar variation 352822 (VCV000352822.19), dbSNP rs76299613, ClinGen allele CA3561516.
Genomic context (GRCh38, chr5:172,362,775, plus strand): 5'-GAGATGGTCTAGGTCCCCACCTGACTCATTCTTCTCGATGATGTCCACCACCTGCCCCAC[G>A]CTGAGGCTGATCTCCGAACTCTCCTGCTTCTGGTAGTTGGCTACCACCACATACTGCTCC-3'
Protein context (NP_001017995.1, residues 164-184): QKQESSEISL[Ser174=]VGQVVDIIEK

ClinVar aggregate classification (germline): Benign/Likely benign. Review status: criteria provided, multiple submitters, no conflicts (2 of 4 stars). 5 submissions from 5 submitters: Benign (3); Likely benign (2). Last evaluated 2026-01-27.

Conditions:
Frank-Ter Haar syndrome. Also called: Borrone di Rocco Crovato syndrome; TER HAAR SYNDROME; MELNICK-NEEDLES SYNDROME, AUTOSOMAL RECESSIVE; BORRONE DERMATOCARDIOSKELETAL SYNDROME. Identifiers: Orphanet 1266, Orphanet 137834, MedGen C1855305, MONDO:0009579, OMIM 249420.

Allele frequency attached by ClinVar (database versions not stated): gnomAD 0.01439 and 0.01422; TOPMed 0.01455; ESP Exome Variant Server 0.01615; gnomAD exomes 0.01678 and 0.01812; ExAC 0.01755; 1000 Genomes Project 0.01218; 1000 Genomes Project 30x 0.01218.
gnomAD v4.1: 28,632 of 1,614,070 alleles (1.8%); highest among the groups gnomAD compares: South Asian, 3%; 324 homozygotes.

Submissions (5):

Labcorp Genetics (formerly Invitae), Labcorp
Classification: Benign. Last evaluated: 2026-01-27. Review status: criteria provided, single submitter. Criteria: Invitae Variant Classification Sherloc (09022015). Collection method: clinical testing. Allele origin: germline.

Genome-Nilou Lab
Classification: Benign for Frank-Ter Haar syndrome. Last evaluated: 2021-07-15. Review status: criteria provided, single submitter. Criteria: ACMG Guidelines, 2015. Collection method: clinical testing. Allele origin: germline. Affected: no.

GeneDx
Classification: Likely benign. Last evaluated: 2018-08-29. Review status: criteria provided, single submitter. Criteria: GeneDx Variant Classification Process June 2021. Collection method: clinical testing. Allele origin: germline. Affected: yes.

Illumina Laboratory Services, Illumina
Classification: Benign for Frank-Ter Haar syndrome. Last evaluated: 2018-01-13. Review status: criteria provided, single submitter. Criteria: ICSL Variant Classification Criteria 13 December 2019. Collection method: clinical testing. Allele origin: germline.
Comment: This variant was observed in the ICSL laboratory as part of a predisposition screen in an ostensibly healthy population. It had not been previously curated by ICSL or reported in the Human Gene Mutation Database (HGMD: prior to June 1st, 2018), and was therefore a candidate for classification through an automated scoring system. Utilizing variant allele frequency, disease prevalence and penetrance estimates, and inheritance mode, an automated score was calculated to assess if this variant is too frequent to cause the disease. Based on the score and internal cut-off values, a variant classified as benign is not then subjected to further curation. The score for this variant resulted in a classification of benign for this disease.

Breakthrough Genomics
Classification: Likely benign. Review status: criteria provided, single submitter. Criteria: ACMG Guidelines, 2015. Collection method: not provided. Allele origin: germline. Inheritance: Autosomal recessive inheritance. Affected: yes.